The following is an entry in ClinVar:

ClinVar aggregate classification (germline): Uncertain significance. Review status: criteria provided, multiple submitters, no conflicts (2 of 4 stars). 2 submissions from 2 submitters: Uncertain significance (2). Last evaluated 2025-08-04.

Allele frequency attached by ClinVar (database versions not stated): gnomAD 0.00001 and 0.00002; gnomAD exomes 0.00001; TOPMed 0.00005.
gnomAD v4.1: 23 of 1,614,016 alleles (0.0014%); highest among the groups gnomAD compares: Admixed American, 0.005%; no homozygotes.

Submissions (2):

Ambry Genetics
Classification: Uncertain significance. Last evaluated: 2025-08-04. Review status: criteria provided, single submitter. Criteria: Ambry Variant Classification Scheme 2023. Collection method: clinical testing. Allele origin: germline.

Labcorp Genetics (formerly Invitae), Labcorp
Classification: Uncertain significance. Last evaluated: 2019-09-03. Review status: criteria provided, single submitter. Criteria: Invitae Variant Classification Sherloc (09022015). Collection method: clinical testing. Allele origin: germline.
Comment: This sequence change replaces arginine with glutamine at codon 1042 of the DHX38 protein (p.Arg1042Gln). The arginine residue is highly conserved and there is a small physicochemical difference between arginine and glutamine. This variant is not present in population databases (ExAC no frequency). This variant has not been reported in the literature in individuals with DHX38-related conditions. Algorithms developed to predict the effect of missense changes on protein structure and function (SIFT, PolyPhen-2, Align-GVGD) all suggest that this variant is likely to be disruptive, but these predictions have not been confirmed by published functional studies and their clinical significance is uncertain. In summary, the available evidence is currently insufficient to determine the role of this variant in disease. Therefore, it has been classified as a Variant of Uncertain Significance.

NM_014003.4(DHX38):c.3125G>A (p.Arg1042Gln)

Genes: DHX38 (DEAH-box helicase 38; plus strand), LOC126862391 (CDK7 strongly-dependent group 2 enhancer GRCh37_chr16:72141414-72142613; plus strand). Cytogenetic location: 16q22.2.
Variant type: single nucleotide variant.
Coding change: c.3125G>A on transcript NM_014003.4 (MANE Select); coding-DNA position 3125, G replaced by A.
Protein change: p.Arg1042Gln; replaces arginine 1042 with glutamine.
Molecular consequence: missense variant.
Genome position (GRCh38, 1-based): chr16:72,108,477, G>A. VCF-style: chr16-72108477-G-A. GRCh37 (hg19) VCF-style: chr16-72142376-G-A.
Other names: short protein forms R1042Q.
Identifiers: ClinVar variation 956794 (VCV000956794.11), dbSNP rs942888461, ClinGen allele CA283691502.